The following is an entry in ClinVar:

ClinVar aggregate classification (germline): Uncertain significance. Review status: criteria provided, multiple submitters, no conflicts (2 of 4 stars). 3 submissions from 3 submitters: Uncertain significance (3). Last evaluated 2025-09-15.

Conditions:
Myofibrillar myopathy 6. Identifiers: Orphanet 199340, MedGen C2751831, MONDO:0013061, OMIM 612954.
Dilated cardiomyopathy 1HH (CMD1HH). Identifiers: Orphanet 154, MedGen C3151293, MONDO:0013479, OMIM 613881.

Allele frequency attached by ClinVar (database versions not stated): gnomAD exomes below 0.00001 and 0.00001; TOPMed below 0.00001.

Submissions (3):

Labcorp Genetics (formerly Invitae), Labcorp
Classification: Uncertain significance for Dilated cardiomyopathy 1HH; Myofibrillar myopathy 6. Last evaluated: 2025-09-15. Review status: criteria provided, single submitter. Criteria: Invitae Variant Classification Sherloc (09022015). Collection method: clinical testing. Allele origin: germline.
Comment: This sequence change replaces tyrosine, which is neutral and polar, with histidine, which is basic and polar, at codon 93 of the BAG3 protein (p.Tyr93His). This variant is present in population databases (no rsID available, gnomAD 0.002%). This variant has not been reported in the literature in individuals affected with BAG3-related conditions. ClinVar contains an entry for this variant (Variation ID: 1422174). Invitae Evidence Modeling of protein sequence and biophysical properties (such as structural, functional, and spatial information, amino acid conservation, physicochemical variation, residue mobility, and thermodynamic stability) has been performed for this missense variant. However, the output from this modeling did not meet the statistical confidence thresholds required to predict the impact of this variant on BAG3 protein function. In summary, the available evidence is currently insufficient to determine the role of this variant in disease. Therefore, it has been classified as a Variant of Uncertain Significance.

Women's Health and Genetics/Laboratory Corporation of America, LabCorp
Classification: Uncertain significance. Last evaluated: 2024-03-11. Review status: criteria provided, single submitter. Criteria: LabCorp Variant Classification Summary - May 2015. Collection method: clinical testing. Allele origin: germline.
Comment: Variant summary: BAG3 c.277T>C (p.Tyr93His) results in a conservative amino acid change in the encoded protein sequence. Four of five in-silico tools predict a damaging effect of the variant on protein function. The variant allele was found at a frequency of 4e-06 in 251488 control chromosomes. The available data on variant occurrences in the general population are insufficient to allow any conclusion about variant significance. To our knowledge, no occurrence of c.277T>C in individuals affected with Myofibrillar Myopathy, BAG3-Related and no experimental evidence demonstrating its impact on protein function have been reported. ClinVar contains an entry for this variant (Variation ID: 1422174). Based on the evidence outlined above, the variant was classified as uncertain significance.

Revvity Omics, Revvity
Classification: Uncertain significance. Last evaluated: 2019-03-17. Review status: criteria provided, single submitter. Criteria: ACMG Guidelines, 2015. Collection method: clinical testing. Allele origin: germline.

NM_004281.4(BAG3):c.277T>C (p.Tyr93His)

Gene: BAG3 (BAG cochaperone 3; plus strand). Cytogenetic location: 10q26.11.
Variant type: single nucleotide variant.
Coding change: c.277T>C on transcript NM_004281.4 (MANE Select); coding-DNA position 277, T replaced by C.
Protein change: p.Tyr93His; replaces tyrosine 93 with histidine.
Molecular consequence: missense variant.
Genome position (GRCh38, 1-based): chr10:119,669,947, T>C. VCF-style: chr10-119669947-T-C. GRCh37 (hg19) VCF-style: chr10-121429459-T-C.
Other names: c.277T>C (NM_004281.3); short protein forms Y93H.
Identifiers: ClinVar variation 1422174 (VCV001422174.11), dbSNP rs960439911, ClinGen allele CA214219742.